The following is an entry in ClinVar:

NM_015272.5(RPGRIP1L):c.2931C>A (p.Phe977Leu)

Gene: RPGRIP1L (RPGRIP1 like; minus strand). Cytogenetic location: 16q12.2.
Variant type: single nucleotide variant.
Coding change: c.2931C>A on transcript NM_015272.5 (MANE Select); coding-DNA position 2931, C replaced by A.
Protein change: p.Phe977Leu; replaces phenylalanine 977 with leucine.
Molecular consequence: missense variant.
Genome position (GRCh38, 1-based): chr16:53,641,060, G>T on the plus strand (C>A on the coding strand, the complement: RPGRIP1L is on the minus strand). VCF-style: chr16-53641060-G-T. GRCh37 (hg19) VCF-style: chr16-53674972-G-T.
Other names: c.2931C>A, p.Phe977Leu (NM_001127897.4, NM_001308334.3, NM_001330538.2); short protein forms F977L.
Identifiers: ClinVar variation 4986096 (VCV004986096.1).

ClinVar aggregate classification (germline): Uncertain significance (1 of 4 stars; one submission).

Conditions:
RPGRIP1L-related disorder. Also called: RPGRIP1L-related disorders; RPGRIP1L-related condition. Identifiers: MedGen CN239416.

gnomAD v4.1: 2 of 1,613,562 alleles (0.00012%); highest among the groups gnomAD compares: African/African-American, 0.0027%; no homozygotes.

Submission:

PreventionGenetics, part of Exact Sciences
Classification: Uncertain significance for RPGRIP1L-related condition. Last evaluated: 2024-12-14. Review status: criteria provided, single submitter. Criteria: ACMG Guidelines, 2015. Collection method: clinical testing. Allele origin: germline.
Comment: The RPGRIP1L c.2931C>A variant is predicted to result in the amino acid substitution p.Phe977Leu. To our knowledge, this variant has not been reported in the literature or in a large population database (gnomAD), indicating this variant is rare. At this time, the clinical significance of this variant is uncertain due to the absence of conclusive functional and genetic evidence.